The following is an entry in ClinVar:

NM_002474.3(MYH11):c.1089G>C (p.Lys363Asn)

Gene: MYH11 (myosin heavy chain 11; minus strand). Cytogenetic location: 16p13.11.
Variant type: single nucleotide variant.
Coding change: c.1089G>C on transcript NM_002474.3 (MANE Select); coding-DNA position 1089, G replaced by C.
Protein change: p.Lys363Asn; replaces lysine 363 with asparagine.
Molecular consequence: missense variant.
Genome position (GRCh38, 1-based): chr16:15,763,836, C>G on the plus strand (G>C on the coding strand, the complement: MYH11 is on the minus strand). VCF-style: chr16-15763836-C-G. GRCh37 (hg19) VCF-style: chr16-15857693-C-G.
Other names: p.Lys370Asn; c.1110G>C, p.Lys370Asn (NM_001040113.2, NM_001040114.2); c.1089G>C, p.Lys363Asn (NM_022844.3); short protein forms K363N, K370N.
Identifiers: ClinVar variation 1053558 (VCV001053558.5), dbSNP rs777252807, ClinGen allele CA7922730.

ClinVar aggregate classification (germline): Uncertain significance. Review status: criteria provided, multiple submitters, no conflicts (2 of 4 stars). 4 submissions from 4 submitters: Uncertain significance (4). Last evaluated 2025-09-30.

Conditions:
Familial thoracic aortic aneurysm and aortic dissection (TAAD). Also called: Thoracic aortic aneurysms and dissections. Identifiers: Orphanet 91387, MedGen C4707243, MONDO:0019625.
Aortic aneurysm, familial thoracic 4 (AAT4). Also called: AORTIC ANEURYSM/AORTIC DISSECTION AND PATENT DUCTUS ARTERIOSUS. Identifiers: MedGen C1851504, MONDO:0007568, OMIM 132900.

gnomAD v4.1: 7 of 1,507,252 alleles (0.00046%); highest among the groups gnomAD compares: Non-Finnish European, 0.00063%; no homozygotes.

Submissions (4):

Mayo Clinic Laboratories, Mayo Clinic
Classification: Uncertain significance. Last evaluated: 2025-09-30. Review status: criteria provided, single submitter. Criteria: ACMG Guidelines, 2015. Collection method: clinical testing. Allele origin: germline. Observed: 1 variant allele.

Color Diagnostics, LLC DBA Color Health
Classification: Uncertain significance for Familial thoracic aortic aneurysm and aortic dissection. Last evaluated: 2024-11-25. Review status: criteria provided, single submitter. Criteria: ACMG Guidelines, 2015. Collection method: clinical testing. Allele origin: germline.
Comment: This missense variant replaces lysine with asparagine at codon 370 of the MYH11 protein. Computational prediction is inconclusive regarding the impact of this variant on protein structure and function (internally defined REVEL score threshold 0.5 < inconclusive < 0.7, PMID: 27666373). To our knowledge, functional studies have not been reported for this variant. This variant has not been reported in individuals affected with MYH11-related disorders in the literature. This variant has been identified in 2/251314 chromosomes in the general population by the Genome Aggregation Database (gnomAD). The available evidence is insufficient to determine the role of this variant in disease conclusively. Therefore, this variant is classified as a Variant of Uncertain Significance.

All of Us Research Program, National Institutes of Health
Classification: Uncertain significance for Familial thoracic aortic aneurysm and aortic dissection. Last evaluated: 2023-12-13. Review status: criteria provided, single submitter. Criteria: ACMG Guidelines, 2015. Collection method: clinical testing. Allele origin: germline. Inheritance: Autosomal dominant inheritance. Observed: 1 variant allele, 1 heterozygote.
Comment: This missense variant replaces lysine with asparagine at codon 370 of the MYH11 protein. Computational prediction is inconclusive regarding the impact of this variant on protein structure and function (internally defined REVEL score threshold 0.5 < inconclusive < 0.7, PMID: 27666373). To our knowledge, functional studies have not been reported for this variant. This variant has not been reported in individuals affected with MYH11-related disorders in the literature. This variant has been identified in 2/251314 chromosomes in the general population by the Genome Aggregation Database (gnomAD). The available evidence is insufficient to determine the role of this variant in disease conclusively. Therefore, this variant is classified as a Variant of Uncertain Significance.

This study involves interpretation of variants in research participants for the purpose of population health screening. Participant phenotype was not available at the time of variant classification. Additional details can be found in publication PMID: 35346344, PMCID: PMC8962531

Labcorp Genetics (formerly Invitae), Labcorp
Classification: Uncertain significance for Aortic aneurysm, familial thoracic 4. Last evaluated: 2021-09-01. Review status: criteria provided, single submitter. Criteria: Invitae Variant Classification Sherloc (09022015). Collection method: clinical testing. Allele origin: germline.
Comment: This sequence change replaces lysine with asparagine at codon 370 of the MYH11 protein (p.Lys370Asn). The lysine residue is moderately conserved and there is a moderate physicochemical difference between lysine and asparagine. This variant is present in population databases (rs777252807, ExAC 0.003%). This variant has not been reported in the literature in individuals affected with MYH11-related conditions. Algorithms developed to predict the effect of missense changes on protein structure and function are either unavailable or do not agree on the potential impact of this missense change (SIFT: "Deleterious"; PolyPhen-2: "Probably Damaging"; Align-GVGD: "Class C0"). In summary, the available evidence is currently insufficient to determine the role of this variant in disease. Therefore, it has been classified as a Variant of Uncertain Significance.